The following is an entry in ClinVar:

NM_001142800.2(EYS):c.2970C>A (p.Cys990Ter)

Gene: EYS (EGF-like photoreceptor maintenance factor; minus strand). Cytogenetic location: 6q12.
Variant type: single nucleotide variant.
Coding change: c.2970C>A on transcript NM_001142800.2 (MANE Select); coding-DNA position 2970, C replaced by A.
Protein change: p.Cys990Ter; replaces cysteine 990 with a stop codon.
Molecular consequence: nonsense.
Genome position (GRCh38, 1-based): chr6:64,886,719, G>T on the plus strand (C>A on the coding strand, the complement: EYS is on the minus strand). VCF-style: chr6-64886719-G-T. GRCh37 (hg19) VCF-style: chr6-65596612-G-T.
Other names: c.2970C>A, p.Cys990Ter (NM_001292009.2); short protein forms C990*.
Identifiers: ClinVar variation 5014355 (VCV005014355.1).

ClinVar aggregate classification (germline): Pathogenic (1 of 4 stars; one submission).

Conditions:
Retinitis pigmentosa 25 (RP25). Identifiers: Orphanet 791, MedGen C1864446, MONDO:0011272, OMIM 602772.

Submission:

Myriad Genetics, Inc.
Classification: Pathogenic for Retinitis pigmentosa 25. Last evaluated: 2025-04-28. Review status: criteria provided, single submitter. Criteria: Myriad Autosomal Dominant, Autosomal Recessive and X-Linked Classification Criteria (2023). Collection method: clinical testing. Allele origin: unknown.
Comment: NM_001142800.1(EYS):c.2970C>A(C990*) is expected to be pathogenic in the context of retinitis pigmentosa, EYS-related. This variant is predicted to lead to an abnormal or absent protein product due to the creation of a premature termination codon in EYS, a gene where loss-of-function variants are known to be pathogenic. Please note: this variant was assessed in the context of healthy population screening.